The following is an entry in ClinVar:

ClinVar aggregate classification (germline): Uncertain significance. Review status: criteria provided, multiple submitters, no conflicts (2 of 4 stars). 2 submissions from 2 submitters: Uncertain significance (2). Last evaluated 2023-08-29.

Conditions:
Hereditary cancer-predisposing syndrome. Also called: Tumor predisposition; Neoplastic Syndromes, Hereditary; Hereditary Cancer Syndrome; Hereditary neoplastic syndrome. Identifiers: Orphanet 140162, MedGen C0027672, MeSH D009386, MONDO:0015356.
Multiple endocrine neoplasia, type 1 (MEN1). Also called: MEN I; WERMER SYNDROME; Endocrine adenomatosis multiple; MEN 1; MEA I. Identifiers: Orphanet 652, MedGen C0025267, MeSH D018761, MONDO:0007540, OMIM 131100.

Submissions (2):

Labcorp Genetics (formerly Invitae), Labcorp
Classification: Uncertain significance for Multiple endocrine neoplasia, type 1. Last evaluated: 2023-08-29. Review status: criteria provided, single submitter. Criteria: Invitae Variant Classification Sherloc (09022015). Collection method: clinical testing. Allele origin: germline.
Comment: In summary, the available evidence is currently insufficient to determine the role of this variant in disease. Therefore, it has been classified as a Variant of Uncertain Significance. Advanced modeling of protein sequence and biophysical properties (such as structural, functional, and spatial information, amino acid conservation, physicochemical variation, residue mobility, and thermodynamic stability) performed at Invitae indicates that this missense variant is not expected to disrupt MEN1 protein function. ClinVar contains an entry for this variant (Variation ID: 1775141). This variant has not been reported in the literature in individuals affected with MEN1-related conditions. This variant is not present in population databases (gnomAD no frequency). This sequence change replaces proline, which is neutral and non-polar, with serine, which is neutral and polar, at codon 519 of the MEN1 protein (p.Pro519Ser).

Ambry Genetics
Classification: Uncertain significance for Hereditary cancer-predisposing syndrome. Last evaluated: 2022-06-04. Review status: criteria provided, single submitter. Criteria: Ambry Variant Classification Scheme 2023. Collection method: clinical testing. Allele origin: germline.
Comment: The p.P519S variant (also known as c.1555C>T), located in coding exon 9 of the MEN1 gene, results from a C to T substitution at nucleotide position 1555. The proline at codon 519 is replaced by serine, an amino acid with similar properties. This amino acid position is conserved. In addition, this alteration is predicted to be tolerated by in silico analysis. Since supporting evidence is limited at this time, the clinical significance of this alteration remains unclear.

NM_001370259.2(MEN1):c.1555C>T (p.Pro519Ser)

Gene: MEN1 (menin 1; minus strand). Cytogenetic location: 11q13.1.
Variant type: single nucleotide variant.
Coding change: c.1555C>T on transcript NM_001370259.2 (MANE Select); coding-DNA position 1555, C replaced by T.
Protein change: p.Pro519Ser; replaces proline 519 with serine.
Molecular consequence: missense variant.
Genome position (GRCh38, 1-based): chr11:64,804,612, G>A on the plus strand (C>T on the coding strand, the complement: MEN1 is on the minus strand). VCF-style: chr11-64804612-G-A. GRCh37 (hg19) VCF-style: chr11-64572084-G-A.
Other names: c.1570C>T, p.Pro524Ser (NM_000244.4, NM_001407145.1, NM_130800.3 and 4 more transcripts); c.1681C>T, p.Pro561Ser (NM_001370251.2, NM_001407142.1, NM_001407143.1 and 1 more transcripts); c.1555C>T, p.Pro519Ser (NM_001370260.2, NM_001370261.2, NM_001407146.1 and 2 more transcripts); c.1450C>T, p.Pro484Ser (NM_001370262.2, NM_001370263.2, NM_001407148.1 and 1 more transcripts); c.1696C>T, p.Pro566Ser (NM_001407150.1); c.1576C>T, p.Pro526Ser (NM_001407151.1); c.1390C>T, p.Pro464Ser (NM_001407152.1); short protein forms P519S, P526S, P484S, P566S, P464S, P524S, P561S.
Identifiers: ClinVar variation 1775141 (VCV001775141.5), dbSNP rs1164774071, ClinGen allele CA381178502.